The following is an entry in ClinVar:

NM_000081.4(LYST):c.5461-3del

Gene: LYST (lysosomal trafficking regulator; minus strand). Cytogenetic location: 1q42.3.
Variant type: Deletion.
Coding change: c.5461-3del on transcript NM_000081.4 (MANE Select); 3 bases into the intron before coding-DNA position 5461, one base deleted (T; older notation c.5461-3delT).
Molecular consequence: intron variant.
Genome position (GRCh38, 1-based): chr1:235,775,089, A deleted on the plus strand (T on the coding strand, the reverse complement: LYST is on the minus strand); the first of 11 consecutive A bases (chr1:235,775,089-235,775,099); deleting any one gives the same sequence. VCF-style (leftmost placement, unchanged base first): chr1-235775088-TA-T. GRCh37 (hg19) VCF-style: chr1-235938388-TA-T.
Other names: NC_000001.10:g.235938399del; p.?; c.5461-13del (NM_000081.4); c.5461-3del (NM_001301365.1, NM_000081.3).
Identifiers: ClinVar variation 703786 (VCV000703786.20), dbSNP rs557545474, ClinGen allele CA1466613.

ClinVar aggregate classification (germline): Benign/Likely benign. Review status: criteria provided, multiple submitters, no conflicts (2 of 4 stars). 6 submissions from 6 submitters: Benign (2); Likely benign (2). 2 of the submissions do not count toward it. Last evaluated 2025-07-14.

Conditions:
Chédiak-Higashi syndrome (CHS). Also called: Chediak-Higashi Syndrome. Identifiers: Orphanet 167, MedGen C0007965, MONDO:0008963, OMIM 214500.

Submissions (8):

Labcorp Genetics (formerly Invitae), Labcorp
Classification: Benign for Chédiak-Higashi syndrome. Last evaluated: 2025-07-14. Review status: criteria provided, single submitter. Criteria: Invitae Variant Classification Sherloc (09022015). Collection method: clinical testing. Allele origin: germline.

Mayo Clinic Laboratories, Mayo Clinic
Classification: Likely benign. Last evaluated: 2025-04-08. Review status: criteria provided, single submitter. Criteria: ACMG Guidelines, 2015. Collection method: clinical testing. Allele origin: germline. Observed: 13 variant alleles.
Comment: BS1, BP4, BP7

Fulgent Genetics
Classification: Likely benign for Chédiak-Higashi syndrome. Last evaluated: 2022-02-07. Review status: criteria provided, single submitter. Criteria: ACMG Guidelines, 2015. Collection method: clinical testing. Allele origin: unknown.

GeneDx
Classification: Benign. Last evaluated: 2019-08-22. Review status: criteria provided, single submitter. Criteria: GeneDx Variant Classification Process June 2021. Collection method: clinical testing. Allele origin: germline. Affected: yes.

Clinical Genetics DNA and cytogenetics Diagnostics Lab, Erasmus MC, Erasmus Medical Center
Classification: Benign. Review status: no assertion criteria provided. Collection method: clinical testing. Allele origin: germline. Affected: yes. Study: VKGL Data-share Consensus. Not counted in ClinVar's aggregate classification.

Clinical Genetics, Academic Medical Center
Classification: Benign. Review status: no assertion criteria provided. Collection method: clinical testing. Allele origin: germline. Affected: yes. Study: VKGL Data-share Consensus. Not counted in ClinVar's aggregate classification.

Dr. Peter K. Rogan Lab, Western University
No classification provided (evidence only). Condition: Malignant lymphoma, large B-cell, diffuse. Review status: no classification provided. Collection method: in vitro. Allele origin: not applicable. Functional consequence: retained intron. Not counted in ClinVar's aggregate classification.

Dr. Peter K. Rogan Lab, Western University
No classification provided (evidence only). Condition: Uveal melanoma. Review status: no classification provided. Collection method: in vitro. Allele origin: not applicable. Functional consequence: retained intron. Not counted in ClinVar's aggregate classification.